The following is an entry in ClinVar:

NM_000726.5(CACNB4):c.*2729G>A

Gene: CACNB4 (calcium voltage-gated channel auxiliary subunit beta 4; minus strand). Cytogenetic location: 2q23.3.
Variant type: single nucleotide variant.
Coding change: c.*2729G>A on transcript NM_000726.5 (MANE Select); 2729 bases downstream of the stop codon, G replaced by A.
Molecular consequence: 3 prime UTR variant.
Genome position (GRCh38, 1-based): chr2:151,836,390, C>T on the plus strand (G>A on the coding strand, the complement: CACNB4 is on the minus strand). VCF-style: chr2-151836390-C-T. GRCh37 (hg19) VCF-style: chr2-152692904-C-T.
Other names: c.*2729G>A (NM_001005746.4, NM_001005747.4, NM_001145798.3 and 7 more transcripts).
Identifiers: ClinVar variation 331584 (VCV000331584.7), dbSNP rs144329745, ClinGen allele CA10611388.
Genomic context (GRCh38, chr2:151,836,390, plus strand): 5'-AAAACAAAGTATGGAGTATGTATTTTTCAAAGGTGCTTGGTGTGCTTGGCAAAAATAAAA[C>T]TTTTCATTTAGTATATATCTAGATTTTAAGTATCATTTACACAATAAACTCTTAAGTCTT-3'

ClinVar aggregate classification (germline): Benign/Likely benign. Review status: criteria provided, multiple submitters, no conflicts (2 of 4 stars). 2 submissions from 2 submitters: Benign (1); Likely benign (1). Last evaluated 2018-01-12.

Conditions:
Episodic ataxia type 5. Identifiers: Orphanet 211067, MedGen C1866039, MONDO:0013464, OMIM 613855.

Allele frequency attached by ClinVar (database versions not stated): gnomAD 0.00353 and 0.00357; TOPMed 0.00362; 1000 Genomes Project 0.00220; 1000 Genomes Project 30x 0.00312.

Submissions (2):

Illumina Laboratory Services, Illumina
Classification: Benign for Episodic ataxia type 5. Last evaluated: 2018-01-12. Review status: criteria provided, single submitter. Criteria: ICSL Variant Classification Criteria 13 December 2019. Collection method: clinical testing. Allele origin: germline.
Comment: This variant was observed in the ICSL laboratory as part of a predisposition screen in an ostensibly healthy population. It had not been previously curated by ICSL or reported in the Human Gene Mutation Database (HGMD: prior to June 1st, 2018), and was therefore a candidate for classification through an automated scoring system. Utilizing variant allele frequency, disease prevalence and penetrance estimates, and inheritance mode, an automated score was calculated to assess if this variant is too frequent to cause the disease. Based on the score and internal cut-off values, a variant classified as benign is not then subjected to further curation. The score for this variant resulted in a classification of benign for this disease.

Breakthrough Genomics
Classification: Likely benign. Review status: criteria provided, single submitter. Criteria: ACMG Guidelines, 2015. Collection method: not provided. Allele origin: germline. Inheritance: Autosomal dominant inheritance. Affected: yes.